The following is an entry in ClinVar:

NM_152468.5(TMC8):c.686C>T (p.Pro229Leu)

Gene: TMC8 (transmembrane channel like 8; plus strand). Cytogenetic location: 17q25.3.
Variant type: single nucleotide variant.
Coding change: c.686C>T on transcript NM_152468.5 (MANE Select); coding-DNA position 686, C replaced by T.
Protein change: p.Pro229Leu; replaces proline 229 with leucine.
Molecular consequence: missense variant.
Genome position (GRCh38, 1-based): chr17:78,133,870, C>T. VCF-style: chr17-78133870-C-T. GRCh37 (hg19) VCF-style: chr17-76129951-C-T.
Other names: short protein forms P229L.
Identifiers: ClinVar variation 1393724 (VCV001393724.4), dbSNP rs773074189, ClinGen allele CA8796579.

ClinVar aggregate classification (germline): Uncertain significance. Review status: criteria provided, multiple submitters, no conflicts (2 of 4 stars). 2 submissions from 2 submitters: Uncertain significance (2). Last evaluated 2022-09-17.

Conditions:
Epidermodysplasia verruciformis. Identifiers: Orphanet 302, MedGen C0014522, MONDO:0009176.

Allele frequency attached by ClinVar (database versions not stated): gnomAD 0.00001; gnomAD exomes 0.00005.
gnomAD v4.1: 69 of 1,613,166 alleles (0.0043%); highest among the groups gnomAD compares: Admixed American, 0.032%; no homozygotes.

Submissions (2):

Labcorp Genetics (formerly Invitae), Labcorp
Classification: Uncertain significance for Epidermodysplasia verruciformis. Last evaluated: 2022-09-17. Review status: criteria provided, single submitter. Criteria: Invitae Variant Classification Sherloc (09022015). Collection method: clinical testing. Allele origin: germline.
Comment: This sequence change replaces proline, which is neutral and non-polar, with leucine, which is neutral and non-polar, at codon 229 of the TMC8 protein (p.Pro229Leu). This variant is present in population databases (rs773074189, gnomAD 0.04%). This variant has not been reported in the literature in individuals affected with TMC8-related conditions. ClinVar contains an entry for this variant (Variation ID: 1393724). Advanced modeling of protein sequence and biophysical properties (such as structural, functional, and spatial information, amino acid conservation, physicochemical variation, residue mobility, and thermodynamic stability) performed at Invitae indicates that this missense variant is not expected to disrupt TMC8 protein function. In summary, the available evidence is currently insufficient to determine the role of this variant in disease. Therefore, it has been classified as a Variant of Uncertain Significance.

Breakthrough Genomics
Classification: Uncertain significance. Review status: criteria provided, single submitter. Criteria: ACMG Guidelines, 2015. Collection method: not provided. Allele origin: germline. Inheritance: Autosomal recessive inheritance. Affected: yes.